The following is an entry in ClinVar:

ClinVar aggregate classification (germline): Likely pathogenic. Review status: criteria provided, multiple submitters, no conflicts (2 of 4 stars). 2 submissions from 2 submitters: Likely pathogenic (2). Last evaluated 2025-08-19.

Conditions:
Combined immunodeficiency with skin granulomas. Identifiers: Orphanet 157949, MedGen C2673536, MONDO:0009306, OMIM 233650.
Severe combined immunodeficiency, autosomal recessive, T cell-negative, B cell-negative, NK cell-positive. Also called: Severe combined immunodeficiency due to complete RAG1/2 deficiency; SCID, AR, T-cell negative, B-cell negative, NK cell-positive; SCID, T CELL-NEGATIVE, B CELL-NEGATIVE, NK CELL-POSITIVE. Identifiers: Orphanet 331206, MedGen C1832322, MONDO:0011086, OMIM 601457.
Histiocytic medullary reticulosis. Also called: SEVERE COMBINED IMMUNODEFICIENCY WITH HYPEREOSINOPHILIA; Omenn syndrome. Identifiers: Orphanet 39041, MedGen C2700553, MONDO:0011338, OMIM 603554.

Allele frequency attached by ClinVar (database versions not stated): ExAC 0.00003; ESP Exome Variant Server 0.00008.
gnomAD v4.1: 4 of 1,614,136 alleles (0.00025%); highest among the groups gnomAD compares: Non-Finnish European, 0.00034%; no homozygotes.

Submissions (2):

Natera, Inc.
Classification: Likely pathogenic for Omenn syndrome. Last evaluated: 2025-08-19. Review status: criteria provided, single submitter. Criteria: Natera Variant Classification Schema (03/2026). Collection method: clinical testing. Allele origin: germline.
Comment: The c.913C>G variant in RAG2 is a missense variant predicted to cause substitution of proline to alanine at amino acid 305. This variant is rare in the general population with a frequency below the threshold expected for the associated phenotype(s). This variant has been observed in one or more individuals affected with the associated recessive disease, as either homozygous or compound heterozygous with a second variant (PMID: 32655540). This variant has been observed to segregate in affected family members (PMID: 32655540). Computational prediction algorithms indicate this variant is likely to affect gene or protein function. Given the available evidence, this variant is classified as Likely Pathogenic.

Labcorp Genetics (formerly Invitae), Labcorp
Classification: Likely pathogenic for Combined immunodeficiency with skin granulomas; Severe combined immunodeficiency, autosomal recessive, T cell-negative, B cell-negative, NK cell-positive. Last evaluated: 2023-07-17. Review status: criteria provided, single submitter. Criteria: Invitae Variant Classification Sherloc (09022015). Collection method: clinical testing. Allele origin: germline.
Comment: This variant is present in population databases (rs370666759, gnomAD 0.004%). In summary, the currently available evidence indicates that the variant is pathogenic, but additional data are needed to prove that conclusively. Therefore, this variant has been classified as Likely Pathogenic. This variant disrupts the p.Pro305 amino acid residue in RAG2. Other variant(s) that disrupt this residue have been observed in individuals with RAG2-related conditions (PMID: 29658452), which suggests that this may be a clinically significant amino acid residue. Experimental studies have shown that this missense change affects RAG2 function (PMID: 32655540). Advanced modeling of protein sequence and biophysical properties (such as structural, functional, and spatial information, amino acid conservation, physicochemical variation, residue mobility, and thermodynamic stability) performed at Invitae indicates that this missense variant is expected to disrupt RAG2 protein function. ClinVar contains an entry for this variant (Variation ID: 1472218). This missense change has been observed in individual(s) with clinical features of severe combined immunodeficiency (PMID: 32655540). It has also been observed to segregate with disease in related individuals. This sequence change replaces proline, which is neutral and non-polar, with alanine, which is neutral and non-polar, at codon 305 of the RAG2 protein (p.Pro305Ala).

Literature cited by the submitters: PubMed 32655540 (cited by Natera, Inc. and Labcorp Genetics (formerly Invitae), Labcorp); PubMed 29658452 (cited by Labcorp Genetics (formerly Invitae), Labcorp).

NM_000536.4(RAG2):c.913C>G (p.Pro305Ala)

Gene: RAG2 (recombination activating 2; minus strand). Cytogenetic location: 11p12.
Variant type: single nucleotide variant.
Coding change: c.913C>G on transcript NM_000536.4 (MANE Select); coding-DNA position 913, C replaced by G.
Protein change: p.Pro305Ala; replaces proline 305 with alanine.
Molecular consequence: missense variant.
Genome position (GRCh38, 1-based): chr11:36,593,256, G>C on the plus strand (C>G on the coding strand, the complement: RAG2 is on the minus strand). VCF-style: chr11-36593256-G-C. GRCh37 (hg19) VCF-style: chr11-36614806-G-C.
Other names: c.913C>G, p.Pro305Ala (NM_001243785.2, NM_001243786.2); c.913C>G (NM_000536.3); short protein forms P305A.
Identifiers: ClinVar variation 1472218 (VCV001472218.7), dbSNP rs370666759, ClinGen allele CA5950503.